The following is an entry in ClinVar:

NM_006593.4(TBR1):c.1721_1722del (p.Arg574fs)

Gene: TBR1 (T-box brain transcription factor 1; plus strand). Cytogenetic location: 2q24.2.
Variant type: Microsatellite.
Coding change: c.1721_1722del on transcript NM_006593.4 (MANE Select); coding-DNA positions 1721 to 1722, 2 bases deleted (GC; older notation c.1721_1722delGC).
Protein change: p.Arg574fs; shifts the reading frame from arginine 574.
Molecular consequence: frameshift variant.
Genome position (GRCh38, 1-based): chr2:161,423,899-161,423,900, GC deleted; deleting any 2 consecutive bases within chr2:161,423,894-161,423,900 gives the same sequence; the c. name uses the placement nearest the transcript's 3' end. VCF-style (leftmost placement, unchanged base first): chr2-161423893-CCG-C. GRCh37 (hg19) VCF-style: chr2-162280404-CCG-C.
Other names: short protein forms R574fs.
Identifiers: ClinVar variation 4632773 (VCV004632773.1).
Genomic context (GRCh38, chr2:161,423,893, plus strand): 5'-AGTACTGCGGCACCAAGTCGGGCTCGGTGCTGCCCTGCTGGCCCAACAGCGCCGCGGCCG[CCG>C]CGCGCATGGCCGGCGCCAATCCCTACCTGGGCGAGGAGGCCGAGGGCCTGGCCGCCGAGC-3'

ClinVar aggregate classification (germline): Likely pathogenic (1 of 4 stars; one submission).

Conditions:
Inborn genetic diseases. Identifiers: MedGen C0950123, MeSH D030342.

Submission:

Ambry Genetics
Classification: Likely pathogenic for Inborn genetic diseases. Last evaluated: 2025-10-20. Review status: criteria provided, single submitter. Criteria: Ambry Variant Classification Scheme 2023. Collection method: clinical testing. Allele origin: germline.
Comment: The c.1721_1722delGC (p.R574Hfs*99) alteration, located in exon 6 (coding exon 6) of the TBR1 gene, consists of a deletion of 2 nucleotides from position 1721 to 1722, causing a translational frameshift with a predicted alternate stop codon after 99 amino acids. This variant is not expected to trigger nonsense-mediated mRNA decay, and impacts the last 15.69% of the protein. However, premature stop codons are typically deleterious in nature and a significant portion of the protein is affected (Ambry internal data). This variant was not reported in population-based cohorts in the Genome Aggregation Database (gnomAD). Based on the available evidence, this alteration is classified as likely pathogenic.